The following is an entry in ClinVar:

ClinVar aggregate classification (germline): Likely pathogenic (1 of 4 stars; one submission).

Conditions:
Wiskott-Aldrich syndrome (WAS). Also called: ALDRICH SYNDROME; IMMUNODEFICIENCY 2; Wiskott-aldrich syndrome, somatic; WISKOTT-ALDRICH SYNDROME 1. Identifiers: Orphanet 906, MedGen C0043194, MONDO:0010518, OMIM 301000.

Submission:

KCCC/NGS Laboratory, Kuwait Cancer Control Center
Classification: Likely pathogenic for Wiskott-Aldrich syndrome. Last evaluated: 2023-07-07. Review status: criteria provided, single submitter. Criteria: ACMG Guidelines, 2015. Collection method: clinical testing. Allele origin: unknown. Affected: yes.
Comment: This variant results in the deletion of the amino acid lycine at position 76 of the WASP protein. In-silico predictions show pathogenic computational verdict based on 1 pathogenic prediction from phyloP vs no benign predictions. This variant affected and exonic hotspot with 9 pathogenic or likely pathogenic reported variants were found in a 68bp region surrounding this variant in exon 2 within the region 48542744-48542812 without any missense benign variants. This variant has been reported in an individual with the clinical diagnosis of Wiskott-Aldrich syndrome with low WASP (PMID: 32296420). This variant was not found in the population database (ExAC 0%). Therefore, this variant has been classified as Likely Pathogenic.

NM_000377.3(WAS):c.226_228del (p.Lys76del)

Gene: WAS (WASP actin nucleation promoting factor; plus strand). Cytogenetic location: Xp11.23.
Variant type: Deletion.
Coding change: c.226_228del on transcript NM_000377.3 (MANE Select); coding-DNA positions 226 to 228, 3 bases deleted (AAG; older notation c.226_228delAAG).
Protein change: p.Lys76del; deletes lysine 76.
Molecular consequence: inframe deletion.
Genome position (GRCh38, 1-based): chrX:48,684,376-48,684,378, AAG deleted; deleting any 3 consecutive bases within chrX:48,684,375-48,684,378 gives the same sequence; the c. name uses the placement nearest the transcript's 3' end. VCF-style (leftmost placement, unchanged base first): chrX-48684374-TGAA-T. GRCh37 (hg19) VCF-style: chrX-48542763-TGAA-T.
Other names: short protein forms K76del.
Identifiers: ClinVar variation 2573184 (VCV002573184.1), dbSNP rs2519278549, ClinGen allele CA2580617033.
Genomic context (GRCh38, chrX:48,684,374, plus strand): 5'-TGGCGCTGCCCCCTGGAGCTGAGCACTGGACCAAGGAGCATTGTGGGGCTGTGTGCTTCG[TGAA>T]GGATAACCCCCAGAAGTCCTACTTCATCCGCCTTTACGGCCTTCAGGTGACCCCCCCACC-3'